The following is an entry in ClinVar:

ClinVar aggregate classification (germline): Uncertain significance (1 of 4 stars; one submission).

Conditions:
Inborn genetic diseases. Identifiers: MedGen C0950123, MeSH D030342.

Submission:

Ambry Genetics
Classification: Uncertain significance for Inborn genetic diseases. Last evaluated: 2026-01-13. Review status: criteria provided, single submitter. Criteria: Ambry Variant Classification Scheme 2023. Collection method: clinical testing. Allele origin: germline.
Comment: The p.V1418A variant (also known as c.4253T>C), located in coding exon 1 of the SAMD9 gene, results from a T to C substitution at nucleotide position 4253. The valine at codon 1418 is replaced by alanine, an amino acid with similar properties. This amino acid position is conserved. In addition, this alteration is predicted to be tolerated by in silico analysis. Based on the available evidence, the clinical significance of this variant remains unclear.

NM_017654.4(SAMD9):c.4253T>C (p.Val1418Ala)

Gene: SAMD9 (sterile alpha motif domain containing 9; minus strand). Cytogenetic location: 7q21.2.
Variant type: single nucleotide variant.
Coding change: c.4253T>C on transcript NM_017654.4 (MANE Select); coding-DNA position 4253, T replaced by C.
Protein change: p.Val1418Ala; replaces valine 1418 with alanine.
Molecular consequence: missense variant.
Genome position (GRCh38, 1-based): chr7:93,101,845, A>G on the plus strand (T>C on the coding strand, the complement: SAMD9 is on the minus strand). VCF-style: chr7-93101845-A-G. GRCh37 (hg19) VCF-style: chr7-92731158-A-G.
Other names: c.4253T>C, p.Val1418Ala (NM_001193307.2); short protein forms V1418A.
Identifiers: ClinVar variation 4843142 (VCV004843142.1).